The following is an entry in ClinVar:

ClinVar aggregate classification (germline): Uncertain significance. Review status: criteria provided, multiple submitters, no conflicts (2 of 4 stars). 3 submissions from 3 submitters: Uncertain significance (3). Last evaluated 2026-04-17.

Conditions:
Inborn genetic diseases. Identifiers: MedGen C0950123, MeSH D030342.
MYO15A-related disorder. Also called: MYO15A-related condition.

Allele frequency attached by ClinVar (database versions not stated): gnomAD 0.00003; TOPMed 0.00003; ExAC 0.00005; gnomAD exomes 0.00005.
gnomAD v4.1: 79 of 1,614,088 alleles (0.0049%); highest among the groups gnomAD compares: Non-Finnish European, 0.0066%; no homozygotes.

Submissions (3):

PreventionGenetics, part of Exact Sciences
Classification: Uncertain significance for MYO15A-related condition. Last evaluated: 2026-04-17. Review status: criteria provided, single submitter. Criteria: ACMG Guidelines, 2015. Collection method: clinical testing. Allele origin: germline.
Comment: The MYO15A c.7714C>T variant is predicted to result in the amino acid substitution p.Pro2572Ser. To our knowledge, this variant has not been reported in the literature. This variant is reported in 0.0078% of alleles in individuals of European (Non-Finnish) descent in gnomAD. At this time, the clinical significance of this variant is uncertain due to the absence of conclusive functional and genetic evidence.

Blueprint Genetics
Classification: Uncertain significance. Last evaluated: 2022-04-22. Review status: criteria provided, single submitter. Criteria: ACMG Guidelines, 2015. Collection method: clinical testing. Allele origin: germline.

Ambry Genetics
Classification: Uncertain significance for Inborn genetic diseases. Last evaluated: 2021-07-06. Review status: criteria provided, single submitter. Criteria: Ambry Variant Classification Scheme 2023. Collection method: clinical testing. Allele origin: germline.

NM_016239.4(MYO15A):c.7714C>T (p.Pro2572Ser)

Gene: MYO15A (myosin XVA; plus strand). Cytogenetic location: 17p11.2.
Variant type: single nucleotide variant.
Coding change: c.7714C>T on transcript NM_016239.4 (MANE Select); coding-DNA position 7714, C replaced by T.
Protein change: p.Pro2572Ser; replaces proline 2572 with serine.
Molecular consequence: missense variant.
Genome position (GRCh38, 1-based): chr17:18,151,454, C>T. VCF-style: chr17-18151454-C-T. GRCh37 (hg19) VCF-style: chr17-18054768-C-T.
Other names: short protein forms P2572S.
Identifiers: ClinVar variation 2338759 (VCV002338759.4), dbSNP rs749113160, ClinGen allele CA8424925.